The following is an entry in ClinVar:

ClinVar aggregate classification (germline): Benign/Likely benign. Review status: criteria provided, multiple submitters, no conflicts (2 of 4 stars). 2 submissions from 2 submitters: Benign (1); Likely benign (1). Last evaluated 2026-09-01.

Allele frequency attached by ClinVar (database versions not stated): 1000 Genomes Project 30x 0.00437; 1000 Genomes Project 0.00459; TOPMed 0.00481; gnomAD 0.00599 and 0.00617; gnomAD exomes 0.00738.
gnomAD v4.1: 2,741 of 398,208 alleles (0.69%); highest among the groups gnomAD compares: Middle Eastern, 1.4%; 14 homozygotes.

Submissions (2):

CeGaT Center for Human Genetics Tuebingen
Classification: Benign. Last evaluated: 2026-09-01. Review status: criteria provided, single submitter. Criteria: CeGaT Center For Human Genetics Tuebingen Variant Classification Criteria Version 2. Collection method: clinical testing. Allele origin: germline. Affected: yes. Observed: 71 variant alleles.
Comment: KCNQ1: BS1, BS2; KCNQ1OT1: BS1, BS2

Blueprint Genetics
Classification: Likely benign. Last evaluated: 2024-11-22. Review status: criteria provided, single submitter. Criteria: ACMG Guidelines, 2015. Collection method: clinical testing. Allele origin: germline.

NM_000218.3(KCNQ1):c.1394-36145G>A

Genes: KCNQ1 (potassium voltage-gated channel subfamily Q member 1; plus strand), KCNQ1OT1 (KCNQ1 opposite strand/antisense transcript 1; minus strand). Cytogenetic location: 11p15.5.
Variant type: single nucleotide variant.
Coding change: c.1394-36145G>A on transcript NM_000218.3 (MANE Select); 36145 bases into the intron before coding-DNA position 1394, G replaced by A.
Molecular consequence: intron variant.
Genome position (GRCh38, 1-based): chr11:2,625,816, G>A. VCF-style: chr11-2625816-G-A. GRCh37 (hg19) VCF-style: chr11-2647046-G-A.
Other names: c.1124-36145G>A (NM_001406837.1); c.1298-36145G>A (NM_001406836.1); c.854-36145G>A (NM_001406838.1); c.1013-36145G>A (NM_181798.2).
Identifiers: ClinVar variation 1701156 (VCV001701156.32), dbSNP rs182676557, ClinGen allele CA216364426.